The following is an entry in ClinVar:

ClinVar aggregate classification (germline): Uncertain significance (1 of 4 stars; one submission).

Conditions:
Hypertrophic cardiomyopathy. Also called: HYPERTROPHIC MYOCARDIOPATHY. Identifiers: Orphanet 217569, MedGen C0007194, MeSH D002312, MONDO:0005045, HP:0001639.

Submission:

Labcorp Genetics (formerly Invitae), Labcorp
Classification: Uncertain significance for Hypertrophic cardiomyopathy. Last evaluated: 2018-06-11. Review status: criteria provided, single submitter. Criteria: Invitae Variant Classification Sherloc (09022015). Collection method: clinical testing. Allele origin: germline.
Comment: This variant results in a copy number gain of the genomic region encompassing exons 27-40 of the MYH7 gene. The 5' boundary is likely confined to intron 26. The 3' end of this event is unknown as it extends beyond the assayed region for this gene and therefore may encompass additional genes. As the precise location of this event is unknown, it may be in tandem or it may be located elsewhere in the genome. This variant has not been reported in the literature in individuals with MYH7-related disease. Experimental studies are not available for this variant, and the functional significance of a copy number gain of these exons is currently unknown. In summary, the available evidence is currently insufficient to determine the role of this variant in disease. Therefore, it has been classified as a Variant of Uncertain Significance.

NC_000014.8:g.(?_23859246)_(23889463_?)dup

Genes: MIR208B (microRNA 208b; minus strand), MYH6 (myosin heavy chain 6; minus strand), MHRT (myosin heavy chain associated RNA transcript; plus strand), MYH7 (myosin heavy chain 7; minus strand), LOC114827851 (VISTA enhancer hs2155; plus strand) and 1 more. Cytogenetic location: 14q11.2.
Variant type: Duplication.
Identifiers: ClinVar variation 583981 (VCV000583981.1).